The following is an entry in ClinVar:

ClinVar aggregate classification (germline): Likely pathogenic. Review status: criteria provided, single submitter (1 of 4 stars). 2 submissions from 2 submitters: Likely pathogenic (1). 1 of the submissions does not count toward it. Last evaluated 2019-01-31.

Conditions:
Spermatogenesis maturation arrest. Identifiers: MedGen C4477100, HP:0031038.
Non-obstructive azoospermia. Identifiers: MedGen C4021107, HP:0011961.
Spermatogenic failure 61 (SPGF61). Identifiers: MedGen C5562048, MONDO:0030507, OMIM 619672.

Allele frequency attached by ClinVar (database versions not stated): gnomAD exomes below 0.00001 and 0.00001; gnomAD 0.00001.
gnomAD v4.1: 9 of 1,614,136 alleles (0.00056%); highest among the groups gnomAD compares: Non-Finnish European, 0.00076%; no homozygotes.

Submissions (2):

Institute of Reproductive Genetics, University of Münster
Classification: Likely pathogenic for Spermatogenesis maturation arrest; Non-obstructive azoospermia. Last evaluated: 2019-01-31. Review status: criteria provided, single submitter. Criteria: ACMG Guidelines, 2015. Collection method: research. Allele origin: paternal. Inheritance: Autosomal recessive inheritance. Affected: yes. Observed: 1 compound heterozygote.
Comment: In silico prediction and in vitro experiments support pathogenicity of the compound heterozygous variants in this case (detailed in the manuscript). According to the 2015 ACMG guidelines, both variants are classified as likely pathogenic.

OMIM
Classification: Pathogenic for SPERMATOGENIC FAILURE 61. Last evaluated: 2021-12-20. Review status: no assertion criteria provided. Collection method: literature only. Allele origin: germline. Not counted in ClinVar's aggregate classification.

Literature cited by the submitters: PubMed 31682730 (cited by OMIM).

NM_001282717.2(STAG3):c.1262T>G (p.Leu421Arg)

Gene: STAG3 (STAG3 cohesin complex component; plus strand). Cytogenetic location: 7q22.1.
Variant type: single nucleotide variant.
Coding change: c.1262T>G on transcript NM_001282717.2 (MANE Select); coding-DNA position 1262, T replaced by G.
Protein change: p.Leu421Arg; replaces leucine 421 with arginine.
Molecular consequence: missense variant.
Genome position (GRCh38, 1-based): chr7:100,198,492, T>G. VCF-style: chr7-100198492-T-G. GRCh37 (hg19) VCF-style: chr7-99796115-T-G.
Other names: c.1262T>G, p.Leu421Arg (NM_001282716.1, NM_001375438.1, NM_012447.4); c.1088T>G, p.Leu363Arg (NM_001282718.2); short protein forms L421R, L363R.
Identifiers: ClinVar variation 617739 (VCV000617739.3), dbSNP rs1161498711, ClinGen allele CA368493842.